The following is an entry in ClinVar:

NM_032545.4(CFC1):c.196_207dup (p.Gly69_Pro70insGluGlyTrpGly)

Gene: CFC1 (cryptic, EGF-CFC family member 1; minus strand). Cytogenetic location: 2q21.1.
Variant type: Duplication.
Coding change: c.196_207dup on transcript NM_032545.4 (MANE Select); coding-DNA positions 196 to 207, 12 bases duplicated (GAGGGCTGGGGG).
Protein change: p.Gly69_Pro70insGluGlyTrpGly.
Molecular consequence: inframe insertion.
Genome position (GRCh38, 1-based): chr2:130,598,682-130,598,693, CCCCCAGCCCTC duplicated on the plus strand (GAGGGCTGGGGG on the coding strand, the reverse complement: CFC1 is on the minus strand). VCF-style (leftmost placement, unchanged base first): chr2-130598681-G-GCCCCCAGCCCTC. GRCh37 (hg19) VCF-style: chr2-131356254-G-GCCCCCAGCCCTC.
Other names: c.196_207dup, p.Gly69_Pro70insGluGlyTrpGly (NM_001270420.2, NM_001270421.2); c.196_207dup12 (NM_032545.3).
Identifiers: ClinVar variation 2445757 (VCV002445757.1), dbSNP rs1685012863, ClinGen allele CA1036413226.

ClinVar aggregate classification (germline): Uncertain significance (1 of 4 stars; one submission).

Allele frequency attached by ClinVar (database versions not stated): gnomAD 0.00001.

Submission:

Women's Health and Genetics/Laboratory Corporation of America, LabCorp
Classification: Uncertain significance. Last evaluated: 2023-02-01. Review status: criteria provided, single submitter. Criteria: LabCorp Variant Classification Summary - May 2015. Collection method: clinical testing. Allele origin: germline.
Comment: Variant summary: CFC1 c.196_207dup12 (p.Glu66_Gly69dup) results in an in-frame duplication that is predicted to duplicate 4 amino acids into the encoded protein. The variant was absent in 247428 control chromosomes. The available data on variant occurrences in the general population are insufficient to allow any conclusion about variant significance. To our knowledge, no occurrence of c.196_207dup12 in individuals affected with Heterotaxy, Visceral, 2, Autosomal and no experimental evidence demonstrating its impact on protein function have been reported. No submitters have provided clinical-significance assessments for this variant to ClinVar after 2014. Based on the evidence outlined above, the variant was classified as uncertain significance.